The following is an entry in ClinVar:

ClinVar aggregate classification (germline): Uncertain significance (1 of 4 stars; one submission).

Allele frequency attached by ClinVar (database versions not stated): gnomAD 0.00001.
gnomAD v4.1: 3 of 1,612,418 alleles (0.00019%); highest among the groups gnomAD compares: Non-Finnish European, 0.00025%; no homozygotes.

Submission:

Labcorp Genetics (formerly Invitae), Labcorp
Classification: Uncertain significance. Last evaluated: 2022-03-27. Review status: criteria provided, single submitter. Criteria: Invitae Variant Classification Sherloc (09022015). Collection method: clinical testing. Allele origin: germline.
Comment: In summary, the available evidence is currently insufficient to determine the role of this variant in disease. Therefore, it has been classified as a Variant of Uncertain Significance. This variant has not been reported in the literature in individuals affected with A2ML1-related conditions. This variant is not present in population databases (gnomAD no frequency). This sequence change creates a premature translational stop signal (p.Ser717*) in the A2ML1 gene. It is expected to result in an absent or disrupted protein product. However, the current clinical and genetic evidence is not sufficient to establish whether loss-of-function variants in A2ML1 cause disease.

NM_144670.6(A2ML1):c.2150C>G (p.Ser717Ter)

Gene: A2ML1 (alpha-2-macroglobulin like 1; plus strand). Cytogenetic location: 12p13.31.
Variant type: single nucleotide variant.
Coding change: c.2150C>G on transcript NM_144670.6 (MANE Select); coding-DNA position 2150, C replaced by G.
Protein change: p.Ser717Ter; replaces serine 717 with a stop codon.
Molecular consequence: nonsense.
Genome position (GRCh38, 1-based): chr12:8,850,190, C>G. VCF-style: chr12-8850190-C-G. GRCh37 (hg19) VCF-style: chr12-9002786-C-G.
Other names: c.677C>G, p.Ser226Ter (NM_001282424.3); short protein forms S226*, S717*.
Identifiers: ClinVar variation 1961854 (VCV001961854.5), dbSNP rs1056414386, ClinGen allele CA232684658.
Genomic context (GRCh38, chr12:8,850,190, plus strand): 5'-CTAAAGTTTTCGTATTCTCAATTTCATCAGCAGGCGGTGGTCATCCAGAGGCTTTTGAGT[C>G]ATCAACTCCTTTACATCAAGCAGAGGATTCTCAGGTCCGCCAGTACTTCCCAGAGACCTG-3'